The following is an entry in ClinVar:

ClinVar aggregate classification (germline): Uncertain significance (1 of 4 stars; one submission).

Conditions:
Progressive familial heart block type IB (PFHB1B). Identifiers: Orphanet 871, MedGen C1970298, MONDO:0011474, OMIM 604559.

gnomAD v4.1: 2 of 1,614,084 alleles (0.00012%); highest among the groups gnomAD compares: East Asian, 0.0022%; no homozygotes.

Submission:

Labcorp Genetics (formerly Invitae), Labcorp
Classification: Uncertain significance for Progressive familial heart block type IB. Last evaluated: 2023-07-18. Review status: criteria provided, single submitter. Criteria: Invitae Variant Classification Sherloc (09022015). Collection method: clinical testing. Allele origin: germline.
Comment: An algorithm developed to predict the effect of missense changes on protein structure and function (PolyPhen-2) suggests that this variant is likely to be tolerated. This sequence change replaces arginine, which is basic and polar, with glycine, which is neutral and non-polar, at codon 96 of the TRPM4 protein (p.Arg96Gly). This variant is not present in population databases (gnomAD no frequency). This variant has not been reported in the literature in individuals affected with TRPM4-related conditions. In summary, the available evidence is currently insufficient to determine the role of this variant in disease. Therefore, it has been classified as a Variant of Uncertain Significance.

NM_017636.4(TRPM4):c.286C>G (p.Arg96Gly)

Gene: TRPM4 (transient receptor potential cation channel subfamily M member 4; plus strand). Cytogenetic location: 19q13.33.
Variant type: single nucleotide variant.
Coding change: c.286C>G on transcript NM_017636.4 (MANE Select); coding-DNA position 286, C replaced by G.
Protein change: p.Arg96Gly; replaces arginine 96 with glycine.
Molecular consequence: missense variant. On other transcripts: intron variant (4).
Genome position (GRCh38, 1-based): chr19:49,167,935, C>G. VCF-style: chr19-49167935-C-G. GRCh37 (hg19) VCF-style: chr19-49671192-C-G.
Other names: c.286C>G, p.Arg96Gly (NM_001195227.2); c.-1105-325C>G (NM_001321282.2); c.268-618C>G (NM_001321281.2); c.-74-325C>G (NM_001321283.2); c.-237-618C>G (NM_001321285.2); short protein forms R96G.
Identifiers: ClinVar variation 2735968 (VCV002735968.3), dbSNP rs148855956, ClinGen allele CA406789940.